The following is an entry in ClinVar:

NM_018834.6(MATR3):c.1879C>G (p.Gln627Glu)

Genes: MATR3 (matrin 3; plus strand), LOC126807526 (CDK7 strongly-dependent group 2 enhancer GRCh37_chr5:138657767-138658966; plus strand). Cytogenetic location: 5q31.2.
Variant type: single nucleotide variant.
Coding change: c.1879C>G on transcript NM_018834.6 (MANE Select); coding-DNA position 1879, C replaced by G.
Protein change: p.Gln627Glu; replaces glutamine 627 with glutamic acid.
Molecular consequence: missense variant.
Genome position (GRCh38, 1-based): chr5:139,322,698, C>G. VCF-style: chr5-139322698-C-G. GRCh37 (hg19) VCF-style: chr5-138658387-C-G.
Other names: c.1879C>G, p.Gln627Glu (NM_001194954.2, NM_001194955.2, NM_199189.3); c.1015C>G, p.Gln339Glu (NM_001194956.2); c.865C>G, p.Gln289Glu (NM_001282278.2); short protein forms Q627E, Q339E, Q289E.
Identifiers: ClinVar variation 351130 (VCV000351130.11), dbSNP rs772231433, ClinGen allele CA3433262.
Genomic context (GRCh38, chr5:139,322,698, plus strand): 5'-GATAAGAAATCCAAAACTGATGGTTCCCAGAAGACTGAGAGTTCAACCGAAGGTAAAGAA[C>G]AAGAAGAGAAGTCCGGTGAAGATGGTGAGAAAGACACAAAGGATGACCAGACAGAGCAGG-3'
Protein context (NP_061322.2, residues 617-637): KTESSTEGKE[Gln627Glu]EEKSGEDGEK

ClinVar aggregate classification (germline): Conflicting classifications of pathogenicity. Review status: criteria provided, conflicting classifications (1 of 4 stars). 3 submissions from 3 submitters: Uncertain significance (2); Likely benign (1). Last evaluated 2024-10-28.

Conditions:
Inborn genetic diseases. Identifiers: MedGen C0950123, MeSH D030342.
Amyotrophic lateral sclerosis type 21. Also called: VOCAL CORD AND PHARYNGEAL DYSFUNCTION WITH DISTAL MYOPATHY; MYOPATHY, DISTAL, 2. Identifiers: Orphanet 600, Orphanet 803, MedGen C3807521, MONDO:0011632, OMIM 606070.

Allele frequency attached by ClinVar (database versions not stated): gnomAD 0.00001; TOPMed 0.00001; ExAC 0.00002; gnomAD exomes 0.00002.
gnomAD v4.1: 32 of 1,613,950 alleles (0.002%); highest among the groups gnomAD compares: Admixed American, 0.0033%; no homozygotes.

Submissions (3):

Labcorp Genetics (formerly Invitae), Labcorp
Classification: Uncertain significance for Amyotrophic lateral sclerosis type 21. Last evaluated: 2024-10-28. Review status: criteria provided, single submitter. Criteria: Invitae Variant Classification Sherloc (09022015). Collection method: clinical testing. Allele origin: germline.
Comment: This sequence change replaces glutamine, which is neutral and polar, with glutamic acid, which is acidic and polar, at codon 627 of the MATR3 protein (p.Gln627Glu). This variant is present in population databases (rs772231433, gnomAD 0.006%). This variant has not been reported in the literature in individuals affected with MATR3-related conditions. ClinVar contains an entry for this variant (Variation ID: 351130). Invitae Evidence Modeling of protein sequence and biophysical properties (such as structural, functional, and spatial information, amino acid conservation, physicochemical variation, residue mobility, and thermodynamic stability) indicates that this missense variant is not expected to disrupt MATR3 protein function with a negative predictive value of 80%. In summary, the available evidence is currently insufficient to determine the role of this variant in disease. Therefore, it has been classified as a Variant of Uncertain Significance.

Ambry Genetics
Classification: Uncertain significance for Inborn genetic diseases. Last evaluated: 2024-01-22. Review status: criteria provided, single submitter. Criteria: Ambry Variant Classification Scheme 2023. Collection method: clinical testing. Allele origin: germline.

Illumina Laboratory Services, Illumina
Classification: Likely benign for Amyotrophic lateral sclerosis type 21. Last evaluated: 2018-01-13. Review status: criteria provided, single submitter. Criteria: ICSL Variant Classification Criteria 13 December 2019. Collection method: clinical testing. Allele origin: germline.
Comment: This variant was observed in the ICSL laboratory as part of a predisposition screen in an ostensibly healthy population. It had not been previously curated by ICSL or reported in the Human Gene Mutation Database (HGMD: prior to June 1st, 2018), and was therefore a candidate for classification through an automated scoring system. Utilizing variant allele frequency, disease prevalence and penetrance estimates, and inheritance mode, an automated score was calculated to assess if this variant is too frequent to cause the disease. Based on the score and internal cut-off values, a variant classified as likely benign is not then subjected to further curation. The score for this variant resulted in a classification of likely benign for this disease.